The following is an entry in ClinVar:

ClinVar aggregate classification (germline): Uncertain significance. Review status: criteria provided, multiple submitters, no conflicts (2 of 4 stars). 4 submissions from 4 submitters: Uncertain significance (4). Last evaluated 2025-06-21.

Conditions:
Basal cell carcinoma, susceptibility to, 1. Also called: BCC1. Identifiers: MedGen C2751544, MONDO:0011556, OMIM 605462.
Hereditary cancer-predisposing syndrome. Also called: Neoplastic Syndromes, Hereditary; Hereditary Cancer Syndrome; Hereditary neoplastic syndrome; Tumor predisposition. Identifiers: Orphanet 140162, MedGen C0027672, MeSH D009386, MONDO:0015356.
Gorlin syndrome. Also called: Nevoid Basal Cell Carcinoma Syndrome; Basal cell nevus syndrome. Identifiers: Orphanet 377, MedGen C0004779, MONDO:0007187.

Allele frequency attached by ClinVar (database versions not stated): gnomAD exomes 0.00001.
gnomAD v4.1: 8 of 1,614,210 alleles (0.0005%); highest among the groups gnomAD compares: African/African-American, 0.0013%; no homozygotes.

Submissions (4):

Ambry Genetics
Classification: Uncertain significance for Hereditary cancer-predisposing syndrome. Last evaluated: 2025-06-21. Review status: criteria provided, single submitter. Criteria: Ambry Variant Classification Scheme 2023. Collection method: clinical testing. Allele origin: germline.
Comment: The p.E389K variant (also known as c.1165G>A), located in coding exon 8 of the PTCH1 gene, results from a G to A substitution at nucleotide position 1165. The glutamic acid at codon 389 is replaced by lysine, an amino acid with similar properties. This amino acid position is highly conserved in available vertebrate species. In addition, this alteration is predicted to be deleterious by in silico analysis. Since supporting evidence is limited at this time, the clinical significance of this alteration remains unclear.

Labcorp Genetics (formerly Invitae), Labcorp
Classification: Uncertain significance for Gorlin syndrome. Last evaluated: 2024-07-16. Review status: criteria provided, single submitter. Criteria: Invitae Variant Classification Sherloc (09022015). Collection method: clinical testing. Allele origin: germline.
Comment: This sequence change replaces glutamic acid, which is acidic and polar, with lysine, which is basic and polar, at codon 389 of the PTCH1 protein (p.Glu389Lys). This variant is not present in population databases (gnomAD no frequency). This missense change has been observed in individual(s) with holoprosencephaly (PMID: 11941477). ClinVar contains an entry for this variant (Variation ID: 848687). Advanced modeling of protein sequence and biophysical properties (such as structural, functional, and spatial information, amino acid conservation, physicochemical variation, residue mobility, and thermodynamic stability) performed at Invitae indicates that this missense variant is not expected to disrupt PTCH1 protein function with a negative predictive value of 95%. In summary, the available evidence is currently insufficient to determine the role of this variant in disease. Therefore, it has been classified as a Variant of Uncertain Significance.

Baylor Genetics
Classification: Uncertain significance for Basal cell carcinoma, susceptibility to, 1. Last evaluated: 2023-07-21. Review status: criteria provided, single submitter. Criteria: ACMG Guidelines, 2015. Collection method: clinical testing. Allele origin: unknown.

Sema4
Classification: Uncertain significance for Hereditary cancer-predisposing syndrome. Last evaluated: 2021-06-25. Review status: criteria provided, single submitter. Criteria: Sema4 Curation Guidelines. Collection method: curation. Allele origin: germline.
Comment: To the best of our knowledge, the PTCH1 c.1165G>A (p.E389K) variant has not been reported in individuals with PTCH1-related disease. It was not observed in the large and broad cohorts of the Genome Aggregation Database. The variant has been reported in ClinVar (Variation ID: 848687). In silico tools suggest the impact of the variant on protein function is inconclusive, though these predictions have not been confirmed by functional studies. The evidence is insufficient to meet ACMG/AMP criteria for classifying the variant as benign or pathogenic. Thus, the clinical significance of this variant is currently uncertain.

Literature cited by the submitters: PubMed 11941477 (cited by Labcorp Genetics (formerly Invitae), Labcorp).

NM_000264.5(PTCH1):c.1165G>A (p.Glu389Lys)

Gene: PTCH1 (patched 1; minus strand). Cytogenetic location: 9q22.32.
Variant type: single nucleotide variant.
Coding change: c.1165G>A on transcript NM_000264.5 (MANE Select); coding-DNA position 1165, G replaced by A.
Protein change: p.Glu389Lys; replaces glutamic acid 389 with lysine.
Molecular consequence: missense variant. On other transcripts: non-coding transcript variant (1).
Genome position (GRCh38, 1-based): chr9:95,479,050, C>T on the plus strand (G>A on the coding strand, the complement: PTCH1 is on the minus strand). VCF-style: chr9-95479050-C-T. GRCh37 (hg19) VCF-style: chr9-98241332-C-T.
Other names: c.967G>A, p.Glu323Lys (NM_001083602.3); c.1162G>A, p.Glu388Lys (NM_001083603.3); c.712G>A, p.Glu238Lys (NM_001083604.3, NM_001083605.3, NM_001083606.3 and 1 more transcripts); c.1165G>A, p.Glu389Lys (NM_001354918.2); short protein forms E323K, E389K, E238K, E388K.
Identifiers: ClinVar variation 848687 (VCV000848687.13), dbSNP rs1841320331, ClinGen allele CA374119315.